The following is an entry in ClinVar:

NM_000835.6(GRIN2C):c.2385A>C (p.Ser795=)

Gene: GRIN2C (glutamate ionotropic receptor NMDA type subunit 2C; minus strand). Cytogenetic location: 17q25.1.
Variant type: single nucleotide variant.
Coding change: c.2385A>C on transcript NM_000835.6 (MANE Select); coding-DNA position 2385, A replaced by C.
Protein change: p.Ser795=; no amino-acid change (serine 795 retained).
Molecular consequence: synonymous variant. On other transcripts: non-coding transcript variant (1).
Genome position (GRCh38, 1-based): chr17:74,844,474, T>G on the plus strand (A>C on the coding strand, the complement: GRIN2C is on the minus strand). VCF-style: chr17-74844474-T-G. GRCh37 (hg19) VCF-style: chr17-72840613-T-G.
Other names: c.2385A>C, p.Ser795= (NM_001278553.2).
Identifiers: ClinVar variation 4280807 (VCV004280807.7).

ClinVar aggregate classification (germline): Likely benign (1 of 4 stars; one submission).

gnomAD v4.1: 533 of 1,614,226 alleles (0.033%); highest among the groups gnomAD compares: African/African-American, 0.51%; 6 homozygotes.

Submission:

CeGaT Center for Human Genetics Tuebingen
Classification: Likely benign. Last evaluated: 2025-09-01. Review status: criteria provided, single submitter. Criteria: CeGaT Center For Human Genetics Tuebingen Variant Classification Criteria Version 2. Collection method: clinical testing. Allele origin: germline. Affected: yes. Observed: 1 variant allele.
Comment: GRIN2C: BP4, BP7